The following is an entry in ClinVar:

NM_001829.4(CLCN3):c.2421G>A (p.Thr807=)

Gene: CLCN3 (Cl-/H+ antiporter 3; plus strand). Cytogenetic location: 4q33.
Variant type: single nucleotide variant.
Coding change: c.2421G>A on transcript NM_001829.4 (MANE Select); coding-DNA position 2421, G replaced by A.
Protein change: p.Thr807=; no amino-acid change (threonine 807 retained).
Molecular consequence: synonymous variant. On other transcripts: missense variant (1).
Genome position (GRCh38, 1-based): chr4:169,719,961, G>A. VCF-style: chr4-169719961-G-A. GRCh37 (hg19) VCF-style: chr4-170641112-G-A.
Other names: c.2340G>A, p.Thr780= (NM_001243372.2, NM_001243374.2); c.2497G>A, p.Gly833Ser (NM_173872.4); short protein forms G833S.
Identifiers: ClinVar variation 2655188 (VCV002655188.24), dbSNP rs149400550, ClinGen allele CA3138656.
Genomic context (GRCh38, chr4:169,719,961, plus strand): 5'-TTTCAGGCGCCTCCTTGGCATTATAACAAAAAAAGATATCCTCCGGCATATGGCCCAGAC[G>A]GCAAACCAAGACCCCGCTTCAATAATGTTCAACTGAATCTCACAGATGAGGAGAGAGAAG-3'
Protein context (NP_001820.2, residues 797-817): KKDILRHMAQ[Thr807=]ANQDPASIMF

ClinVar aggregate classification (germline): Likely benign (1 of 4 stars; one submission).

Allele frequency attached by ClinVar (database versions not stated): ESP Exome Variant Server 0.00246; gnomAD 0.00344; TOPMed 0.00358; gnomAD exomes 0.00371; 1000 Genomes Project 30x 0.00390; 1000 Genomes Project 0.00399; ExAC 0.00435.
gnomAD v4.1: 6,093 of 1,613,792 alleles (0.38%); highest among the groups gnomAD compares: Middle Eastern, 2.1%; 47 homozygotes.

Submission:

CeGaT Center for Human Genetics Tuebingen
Classification: Likely benign. Last evaluated: 2026-07-01. Review status: criteria provided, single submitter. Criteria: CeGaT Center For Human Genetics Tuebingen Variant Classification Criteria Version 2. Collection method: clinical testing. Allele origin: germline. Affected: yes. Observed: 8 variant alleles.
Comment: CLCN3: BS2